The following is an entry in ClinVar:

ClinVar aggregate classification (germline): Uncertain significance (1 of 4 stars; one submission).

Allele frequency attached by ClinVar (database versions not stated): gnomAD 0.00001; ExAC 0.00002; gnomAD exomes 0.00002.

Submission:

Women's Health and Genetics/Laboratory Corporation of America, LabCorp
Classification: Uncertain significance. Last evaluated: 2021-08-23. Review status: criteria provided, single submitter. Criteria: LabCorp Variant Classification Summary - May 2015. Collection method: clinical testing. Allele origin: germline.
Comment: Variant summary: LIG3 c.446G>A (p.Arg149Gln) results in a conservative amino acid change located in the Zinc finger, PARP-type domain (IPR001510) of the encoded protein sequence. Three of five in-silico tools predict a damaging effect of the variant on protein function. The variant allele was found at a frequency of 1.6e-05 in 250664 control chromosomes (gnomAD). The available data on variant occurrences in the general population are insufficient to allow any conclusion about variant significance. To our knowledge, no occurrence of c.446G>A in individuals affected with Long QT Syndrome and no experimental evidence demonstrating its impact on protein function have been reported. No clinical diagnostic laboratories have submitted clinical-significance assessments for this variant to ClinVar after 2014. Based on the evidence outlined above, the variant was classified as uncertain significance.

NM_013975.4(LIG3):c.446G>A (p.Arg149Gln)

Gene: LIG3 (DNA ligase 3; plus strand). Cytogenetic location: 17q12.
Variant type: single nucleotide variant.
Coding change: c.446G>A on transcript NM_013975.4 (MANE Select); coding-DNA position 446, G replaced by A.
Protein change: p.Arg149Gln; replaces arginine 149 with glutamine.
Molecular consequence: missense variant.
Genome position (GRCh38, 1-based): chr17:34,983,451, G>A. VCF-style: chr17-34983451-G-A. GRCh37 (hg19) VCF-style: chr17-33310470-G-A.
Other names: c.446G>A, p.Arg149Gln (NM_002311.5); short protein forms R149Q.
Identifiers: ClinVar variation 1217272 (VCV001217272.1), dbSNP rs772050625, ClinGen allele CA8498078.
Genomic context (GRCh38, chr17:34,983,451, plus strand): 5'-AGTCTGGGGGTGATATGAAAGAGTGGTACCACATTAAATGCATGTTTGAGAAACTAGAGC[G>A]GGCCCGGGCCACCACAAAAAAAATCGAGGACCTCACAGAGCTGGAAGGCTGGGAAGAGCT-3'
Protein context (NP_039269.2, residues 139-159): HIKCMFEKLE[Arg149Gln]ARATTKKIED